The following is an entry in ClinVar:

NM_004318.4(ASPH):c.819G>T (p.Gly273=)

Gene: ASPH (aspartate beta-hydroxylase; minus strand). Cytogenetic location: 8q12.3.
Variant type: single nucleotide variant.
Coding change: c.819G>T on transcript NM_004318.4 (MANE Select); coding-DNA position 819, G replaced by T.
Protein change: p.Gly273=; no amino-acid change (glycine 273 retained).
Molecular consequence: synonymous variant. On other transcripts: intron variant (14).
Genome position (GRCh38, 1-based): chr8:61,638,335, C>A on the plus strand (G>T on the coding strand, the complement: ASPH is on the minus strand). VCF-style: chr8-61638335-C-A. GRCh37 (hg19) VCF-style: chr8-62550894-C-A.
Other names: c.732G>T, p.Gly244= (NM_001164750.2, NM_001413865.1, NM_001413903.1); c.774G>T, p.Gly258= (NM_001164751.2); c.717G>T, p.Gly239= (NM_001164752.2); c.648G>T, p.Gly216= (NM_001164753.2); c.762G>T, p.Gly254= (NM_001164754.2, NM_001413847.1, NM_001413860.1 and 3 more transcripts); c.690G>T, p.Gly230= (NM_001164755.2, NM_001413859.1, NM_001413871.1 and 3 more transcripts); c.819G>T, p.Gly273= (NM_001413844.1, NM_001413851.1, NM_001413855.1 and 5 more transcripts); c.864G>T, p.Gly288= (NM_001413845.1, NM_001413849.1); and 32 more.
Identifiers: ClinVar variation 2040868 (VCV002040868.6), dbSNP rs114964365, ClinGen allele CA4762003.
Genomic context (GRCh38, chr8:61,638,335, plus strand): 5'-AGGGAAAGCTGACTTGCAGAAAATATGTGCTTACAGAAAAAACTTACCTGTGATTTCTAT[C>A]CCTTCATTTTCTAGAGGTTCATATACTGCTAAAAAAAAAAAAACAGAAACAAAATCCCGT-3'
Protein context (NP_004309.2, residues 263-283): QAVYEPLENE[Gly273=]IEITEVTAPP

ClinVar aggregate classification (germline): Benign. Review status: criteria provided, multiple submitters, no conflicts (2 of 4 stars). 2 submissions from 2 submitters: Benign (2). Last evaluated 2025-09-03.

Conditions:
ASPH-related disorder. Also called: ASPH-related condition.

Allele frequency attached by ClinVar (database versions not stated): gnomAD exomes 0.00059; ExAC 0.00184; gnomAD 0.00554; 1000 Genomes Project 0.00599; ESP Exome Variant Server 0.00623; TOPMed 0.00642; 1000 Genomes Project 30x 0.00703.
gnomAD v4.1: 1,721 of 1,597,984 alleles (0.11%); highest among the groups gnomAD compares: African/African-American, 1.9%; 18 homozygotes.

Submissions (5):

Labcorp Genetics (formerly Invitae), Labcorp
Classification: Benign. Last evaluated: 2025-09-03. Review status: criteria provided, single submitter. Criteria: Invitae Variant Classification Sherloc (09022015). Collection method: clinical testing. Allele origin: germline.

PreventionGenetics, part of Exact Sciences
Classification: Benign for ASPH-related condition. Last evaluated: 2025-03-24. Review status: criteria provided, single submitter. Criteria: ACMG Guidelines, 2015. Collection method: clinical testing. Allele origin: germline.
Comment: This variant is classified as benign based on ACMG/AMP sequence variant interpretation guidelines (Richards et al. 2015 PMID: 25741868, with internal and published modifications).

Dr. Peter K. Rogan Lab, Western University
No classification provided (evidence only). Condition: Uterine corpus endometrial carcinoma. Review status: no classification provided. Collection method: in vitro. Allele origin: not applicable. Functional consequence: skipped exon, retained intron. Not counted in ClinVar's aggregate classification.

Dr. Peter K. Rogan Lab, Western University
No classification provided (evidence only). Condition: Ovarian serous cystadenocarcinoma. Review status: no classification provided. Collection method: in vitro. Allele origin: not applicable. Functional consequence: retained intron. Not counted in ClinVar's aggregate classification.

Dr. Peter K. Rogan Lab, Western University
No classification provided (evidence only). Condition: Gastric cancer. Review status: no classification provided. Collection method: in vitro. Allele origin: not applicable. Functional consequence: retained intron. Not counted in ClinVar's aggregate classification.